The following is an entry in ClinVar:

ClinVar aggregate classification (germline): Uncertain significance (1 of 4 stars; one submission).

Allele frequency attached by ClinVar (database versions not stated): gnomAD exomes below 0.00001; TOPMed below 0.00001; gnomAD 0.00001.
gnomAD v4.1: 2 of 1,613,356 alleles (0.00012%); highest among the groups gnomAD compares: Non-Finnish European, 0.00017%; no homozygotes.

Submission:

CeGaT Center for Human Genetics Tuebingen
Classification: Uncertain significance. Last evaluated: 2022-11-01. Review status: criteria provided, single submitter. Criteria: CeGaT Center For Human Genetics Tuebingen Variant Classification Criteria Version 2. Collection method: clinical testing. Allele origin: germline. Affected: yes. Observed: 1 variant allele.
Comment: TTN: PM2, BP4

NM_001267550.2(TTN):c.22342A>G (p.Ile7448Val)

Gene: TTN (titin; minus strand). Cytogenetic location: 2q31.2.
Variant type: single nucleotide variant.
Coding change: c.22342A>G on transcript NM_001267550.2 (MANE Select); coding-DNA position 22342, A replaced by G.
Protein change: p.Ile7448Val; replaces isoleucine 7448 with valine.
Molecular consequence: missense variant. On other transcripts: intron variant (3).
Genome position (GRCh38, 1-based): chr2:178,722,445, T>C on the plus strand (A>G on the coding strand, the complement: TTN is on the minus strand). VCF-style: chr2-178722445-T-C. GRCh37 (hg19) VCF-style: chr2-179587172-T-C.
Other names: c.21391A>G, p.Ile7131Val (NM_001256850.1); c.18610A>G, p.Ile6204Val (NM_133378.4); c.13282+15637A>G (NM_003319.4); c.13858+15637A>G (NM_133437.4); c.13657+15637A>G (NM_133432.3); short protein forms I6204V, I7131V, I7448V.
Identifiers: ClinVar variation 1879507 (VCV001879507.29), dbSNP rs1349950887, ClinGen allele CA349527034.